The following is an entry in ClinVar:

NM_007294.4(BRCA1):c.78C>T (p.Ile26=)

Gene: BRCA1 (BRCA1 DNA repair associated; minus strand). Cytogenetic location: 17q21.31.
Variant type: single nucleotide variant.
Coding change: c.78C>T on transcript NM_007294.4 (MANE Select); coding-DNA position 78, C replaced by T.
Protein change: p.Ile26=; no amino-acid change (isoleucine 26 retained).
Molecular consequence: synonymous variant. On other transcripts: 5 prime UTR variant (136), intron variant (36).
Genome position (GRCh38, 1-based): chr17:43,124,019, G>A on the plus strand (C>T on the coding strand, the complement: BRCA1 is on the minus strand). VCF-style: chr17-43124019-G-A. GRCh37 (hg19) VCF-style: chr17-41276036-G-A.
Other names: c.-111C>T (NM_001407571.1, NM_001407853.1, NM_001407879.1 and 46 more transcripts); c.78C>T, p.Ile26= (NM_001407581.1, NM_001407582.1, NM_001407583.1 and 193 more transcripts); c.-180C>T (NM_001407694.1, NM_001407724.1, NM_001407727.1 and 11 more transcripts); c.-184C>T (NM_001407695.1, NM_001408465.1); c.-325C>T (NM_001407696.1); c.-209C>T (NM_001407697.1, NM_001407846.1, NM_001407920.1); c.-10C>T (NM_001407698.1, NM_001407732.1, NM_001407736.1 and 23 more transcripts); c.-183C>T (NM_001407725.1, NM_001407730.1, NM_001407734.1 and 22 more transcripts); and 23 more.
Identifiers: ClinVar variation 491187 (VCV000491187.15), dbSNP rs1555600862, ClinGen allele CA500131326.
Genomic context (GRCh38, chr17:43,124,019, plus strand): 5'-ATTTGCATAGGAGATAATCATAGGAATCCCAAATTAATACACTCTTGTGCTGACTTACCA[G>A]ATGGGACACTCTAAGATTTTCTGCATAGCATTAATGACATTTTGTACTTCTTCAACGCGA-3'
Protein context (NP_009225.1, residues 16-36): NAMQKILECP[Ile26=]CLELIKEPVS

ClinVar aggregate classification (germline): Likely benign. Review status: criteria provided, multiple submitters, no conflicts (2 of 4 stars). 2 submissions from 2 submitters: Likely benign (2). Last evaluated 2020-09-28.

Conditions:
Hereditary breast ovarian cancer syndrome. Also called: Breast and ovarian cancer; Hereditary breast and/or ovarian cancer syndrome; BRCA1- and BRCA2-Associated Hereditary Breast and Ovarian Cancer; Hereditary breast and ovarian cancer syndrome; Hereditary breast and ovarian cancer syndrome (HBOC); Hereditary breast and ovarian cancer. Identifiers: Orphanet 145, MedGen C0677776, MeSH D061325, MONDO:0003582. Disease mechanism: loss of function.
Hereditary cancer-predisposing syndrome. Also called: Tumor predisposition; Hereditary Cancer Syndrome; Hereditary neoplastic syndrome; Neoplastic Syndromes, Hereditary. Identifiers: Orphanet 140162, MedGen C0027672, MeSH D009386, MONDO:0015356.

Allele frequency attached by ClinVar (database versions not stated): gnomAD exomes below 0.00001.
gnomAD v4.1: 1 of 1,610,564 alleles (0.000062%); highest among the groups gnomAD compares: Non-Finnish European, 0.000085%; no homozygotes.

Submissions (3):

Labcorp Genetics (formerly Invitae), Labcorp
Classification: Likely benign for Hereditary breast ovarian cancer syndrome. Last evaluated: 2020-09-28. Review status: criteria provided, single submitter. Criteria: Invitae Variant Classification Sherloc (09022015). Collection method: clinical testing. Allele origin: germline.

Color Diagnostics, LLC DBA Color Health
Classification: Likely benign for Hereditary cancer-predisposing syndrome. Last evaluated: 2017-02-10. Review status: criteria provided, single submitter. Criteria: ACMG Guidelines, 2015. Collection method: clinical testing. Allele origin: germline.

Brotman Baty Institute, University of Washington
No classification provided (evidence only). Condition: Breast-ovarian cancer, familial 1. Review status: no classification provided. Collection method: in vitro. Allele origin: not applicable. Functional consequence: functionally_normal. Not counted in ClinVar's aggregate classification.
ClinVar note: "not provided" was previously submitted as the classification for the variant. However, the classification appeared to be based only on an observation of functional data so it was converted to no classification on 2025-07-30.